The following is an entry in ClinVar:

NM_001080414.4(CCDC88C):c.3779+1G>A

Gene: CCDC88C (coiled-coil and HOOK domain protein 88C; minus strand). Cytogenetic location: 14q32.11.
Variant type: single nucleotide variant.
Coding change: c.3779+1G>A on transcript NM_001080414.4 (MANE Select); the canonical splice donor site of the intron after coding-DNA position 3779, G replaced by A.
Molecular consequence: splice donor variant.
Genome position (GRCh38, 1-based): chr14:91,299,926, C>T on the plus strand (G>A on the coding strand, the complement: CCDC88C is on the minus strand). VCF-style: chr14-91299926-C-T. GRCh37 (hg19) VCF-style: chr14-91766270-C-T.
Identifiers: ClinVar variation 2984907 (VCV002984907.3), dbSNP rs2544335257, ClinGen allele CA390619715.

ClinVar aggregate classification (germline): Likely pathogenic (1 of 4 stars; one submission).

Submission:

Labcorp Genetics (formerly Invitae), Labcorp
Classification: Likely pathogenic. Last evaluated: 2023-12-12. Review status: criteria provided, single submitter. Criteria: Invitae Variant Classification Sherloc (09022015). Collection method: clinical testing. Allele origin: germline.
Comment: This sequence change affects a donor splice site in intron 21 of the CCDC88C gene. It is expected to disrupt RNA splicing. Variants that disrupt the donor or acceptor splice site typically lead to a loss of protein function (PMID: 16199547), and loss-of-function variants in CCDC88C are known to be pathogenic (PMID: 23042809, 29225145). This variant is not present in population databases (gnomAD no frequency). This variant has not been reported in the literature in individuals affected with CCDC88C-related conditions. Algorithms developed to predict the effect of sequence changes on RNA splicing suggest that this variant may disrupt the consensus splice site. In summary, the currently available evidence indicates that the variant is pathogenic, but additional data are needed to prove that conclusively. Therefore, this variant has been classified as Likely Pathogenic.

Literature cited by the submitters: PubMed 16199547; PubMed 23042809; PubMed 29225145.